The following is an entry in ClinVar:

ClinVar aggregate classification (germline): Uncertain significance (1 of 4 stars; one submission).

gnomAD v4.1: 32 of 981,147 alleles (0.0033%); highest among the groups gnomAD compares: Non-Finnish European, 0.0034%; no homozygotes.

Submission:

Labcorp Genetics (formerly Invitae), Labcorp
Classification: Uncertain significance. Last evaluated: 2024-03-24. Review status: criteria provided, single submitter. Criteria: Invitae Variant Classification Sherloc (09022015). Collection method: clinical testing. Allele origin: germline.
Comment: This sequence change replaces serine, which is neutral and polar, with phenylalanine, which is neutral and non-polar, at codon 59 of the GPR143 protein (p.Ser59Phe). The frequency data for this variant in the population databases is considered unreliable, as metrics indicate insufficient coverage at this position in the gnomAD database. This variant has not been reported in the literature in individuals affected with GPR143-related conditions. Advanced modeling of protein sequence and biophysical properties (such as structural, functional, and spatial information, amino acid conservation, physicochemical variation, residue mobility, and thermodynamic stability) performed at Invitae indicates that this missense variant is not expected to disrupt GPR143 protein function with a negative predictive value of 80%. In summary, the available evidence is currently insufficient to determine the role of this variant in disease. Therefore, it has been classified as a Variant of Uncertain Significance.

NM_000273.3(GPR143):c.176C>T (p.Ser59Phe)

Gene: GPR143 (G protein-coupled receptor 143; minus strand). Cytogenetic location: Xp22.2.
Variant type: single nucleotide variant.
Coding change: c.176C>T on transcript NM_000273.3 (MANE Select); coding-DNA position 176, C replaced by T.
Protein change: p.Ser59Phe; replaces serine 59 with phenylalanine.
Molecular consequence: missense variant.
Genome position (GRCh38, 1-based): chrX:9,765,642, G>A on the plus strand (C>T on the coding strand, the complement: GPR143 is on the minus strand). VCF-style: chrX-9765642-G-A. GRCh37 (hg19) VCF-style: chrX-9733682-G-A.
Other names: short protein forms S59F.
Identifiers: ClinVar variation 3707183 (VCV003707183.1).
Genomic context (GRCh38, chrX:9,765,642, plus strand): 5'-AGGTCGCAGGCAGCGGCAGCGCGCAGGATGCGGACCGAGGCCGGCGGGGACGTCGCGGGG[G>A]ACCCGGGGCCCGCGGGCCGGCGGCCGGGCAGCAGCTGCAGAAGGCCCAGCGCCAAGCGGA-3'
Protein context (NP_000264.2, residues 49-69): LPGRRPAGPG[Ser59Phe]PATSPPASVR